The following is an entry in ClinVar:

ClinVar aggregate classification (germline): Conflicting classifications of pathogenicity. Review status: criteria provided, conflicting classifications (1 of 4 stars). 2 submissions from 2 submitters: Uncertain significance (1); Likely benign (1). Last evaluated 2024-01-29.

Conditions:
Familial melanoma. Also called: Hereditary melanoma; Hereditary cutaneous melanoma. Identifiers: Orphanet 618, MedGen C1512419, MONDO:0018961.
Hereditary cancer-predisposing syndrome. Also called: Tumor predisposition; Hereditary neoplastic syndrome; Neoplastic Syndromes, Hereditary; Hereditary Cancer Syndrome. Identifiers: Orphanet 140162, MedGen C0027672, MeSH D009386, MONDO:0015356.

Submissions (2):

Ambry Genetics
Classification: Likely benign for Hereditary cancer-predisposing syndrome. Last evaluated: 2024-01-29. Review status: criteria provided, single submitter. Criteria: Ambry Variant Classification Scheme 2023. Collection method: clinical testing. Allele origin: germline.

Labcorp Genetics (formerly Invitae), Labcorp
Classification: Uncertain significance for Familial melanoma. Last evaluated: 2022-01-27. Review status: criteria provided, single submitter. Criteria: Invitae Variant Classification Sherloc (09022015). Collection method: clinical testing. Allele origin: germline.
Comment: In summary, the available evidence is currently insufficient to determine the role of this variant in disease. Therefore, it has been classified as a Variant of Uncertain Significance. Advanced modeling of protein sequence and biophysical properties (such as structural, functional, and spatial information, amino acid conservation, physicochemical variation, residue mobility, and thermodynamic stability) performed at Invitae indicates that this missense variant is not expected to disrupt CDK4 protein function. ClinVar contains an entry for this variant (Variation ID: 847993). This variant has not been reported in the literature in individuals affected with CDK4-related conditions. This variant is not present in population databases (gnomAD no frequency). This sequence change replaces glycine, which is neutral and non-polar, with glutamic acid, which is acidic and polar, at codon 43 of the CDK4 protein (p.Gly43Glu).

NM_000075.4(CDK4):c.128G>A (p.Gly43Glu)

Genes: CDK4 (cyclin dependent kinase 4; minus strand), LOC130008148 (ATAC-STARR-seq lymphoblastoid silent region 4588; plus strand). Cytogenetic location: 12q14.1.
Variant type: single nucleotide variant.
Coding change: c.128G>A on transcript NM_000075.4 (MANE Select); coding-DNA position 128, G replaced by A.
Protein change: p.Gly43Glu; replaces glycine 43 with glutamic acid.
Molecular consequence: missense variant.
Genome position (GRCh38, 1-based): chr12:57,751,590, C>T on the plus strand (G>A on the coding strand, the complement: CDK4 is on the minus strand). VCF-style: chr12-57751590-C-T. GRCh37 (hg19) VCF-style: chr12-58145373-C-T.
Other names: short protein forms G43E.
Identifiers: ClinVar variation 847993 (VCV000847993.11), dbSNP rs1955238089, ClinGen allele CA385548763.